The following is an entry in ClinVar:

NM_000535.7(PMS2):c.1750del (p.Ile584fs)

Gene: PMS2 (PMS1 homolog 2, mismatch repair system component; minus strand). Cytogenetic location: 7p22.1.
Variant type: Deletion.
Coding change: c.1750del on transcript NM_000535.7 (MANE Select); coding-DNA position 1750, one base deleted (A; older notation c.1750delA).
Protein change: p.Ile584fs; shifts the reading frame from isoleucine 584.
Molecular consequence: frameshift variant. On other transcripts: non-coding transcript variant (1).
Genome position (GRCh38, 1-based): chr7:5,987,015, T deleted on the plus strand (A on the coding strand, the reverse complement: PMS2 is on the minus strand); the first of 3 consecutive T bases (chr7:5,987,015-5,987,017); deleting any one gives the same sequence. VCF-style (leftmost placement, unchanged base first): chr7-5987014-AT-A. GRCh37 (hg19) VCF-style: chr7-6026645-AT-A.
Other names: c.1345del, p.Ile449fs (NM_001322003.2, NM_001322004.2, NM_001322005.2 and 1 more transcripts); c.1594del, p.Ile532fs (NM_001322006.2); c.1432del, p.Ile478fs (NM_001322007.2, NM_001322008.2); c.1189del, p.Ile397fs (NM_001322010.2); c.817del, p.Ile273fs (NM_001322011.2, NM_001322012.2); c.1177del, p.Ile393fs (NM_001322013.2); c.1750del, p.Ile584fs (NM_001322014.2); c.1441del, p.Ile481fs (NM_001322015.2); short protein forms I273fs, I478fs, I584fs, I397fs, I449fs, I481fs, I532fs, I393fs.
Identifiers: ClinVar variation 1380389 (VCV001380389.6), dbSNP rs864622600, ClinGen allele CA2573141967.
Genomic context (GRCh38, chr7:5,987,014, plus strand): 5'-TGAGAGGCTGACATGTCCTGAGTATTTACTAACTTTTGACAAATGTCAGAACTGGAAAGA[AT>A]TTCTTCTTTTTTAAAACGCTTTGTGTTTGGGGTTGCGAGATTAGTTGGCTGAGGCAAAAC-3'

ClinVar aggregate classification (germline): Pathogenic (1 of 4 stars; one submission).

Conditions:
Hereditary nonpolyposis colorectal neoplasms. Identifiers: MedGen C0009405, MeSH D003123.

Submission:

Labcorp Genetics (formerly Invitae), Labcorp
Classification: Pathogenic for Hereditary nonpolyposis colorectal neoplasms. Last evaluated: 2021-02-03. Review status: criteria provided, single submitter. Criteria: Invitae Variant Classification Sherloc (09022015). Collection method: clinical testing. Allele origin: germline.
Comment: For these reasons, this variant has been classified as Pathogenic. This variant has not been reported in the literature in individuals with PMS2-related conditions. This variant is not present in population databases (ExAC no frequency). This sequence change creates a premature translational stop signal (p.Ile584Phefs*11) in the PMS2 gene. It is expected to result in an absent or disrupted protein product. Loss-of-function variants in PMS2 are known to be pathogenic (PMID: 21376568, 24362816).

Literature cited by the submitters: PubMed 21376568; PubMed 24362816.